The following is an entry in ClinVar:

ClinVar aggregate classification (germline): Uncertain significance. Review status: criteria provided, multiple submitters, no conflicts (2 of 4 stars). 2 submissions from 2 submitters: Uncertain significance (2). Last evaluated 2025-03-11.

Conditions:
Hereditary cancer-predisposing syndrome. Also called: Tumor predisposition; Hereditary Cancer Syndrome; Neoplastic Syndromes, Hereditary; Hereditary neoplastic syndrome. Identifiers: Orphanet 140162, MedGen C0027672, MeSH D009386, MONDO:0015356.
Ataxia-telangiectasia syndrome (AT). Also called: Cerebello-oculocutaneous telangiectasia; Immunodeficiency with ataxia telangiectasia; ATAXIA-TELANGIECTASIA, COMPLEMENTATION GROUP A; ATAXIA-TELANGIECTASIA, FRESNO VARIANT; LOUIS-BAR SYNDROME; Ataxia-telangiectasia, complementation group E. Identifiers: Orphanet 100, MedGen C0004135, MONDO:0008840, OMIM 208900.

Submissions (2):

Labcorp Genetics (formerly Invitae), Labcorp
Classification: Uncertain significance for Ataxia-telangiectasia syndrome. Last evaluated: 2025-03-11. Review status: criteria provided, single submitter. Criteria: Invitae Variant Classification Sherloc (09022015). Collection method: clinical testing. Allele origin: germline.
Comment: This sequence change replaces histidine, which is basic and polar, with arginine, which is basic and polar, at codon 1474 of the ATM protein (p.His1474Arg). This variant is not present in population databases (gnomAD no frequency). This variant has not been reported in the literature in individuals affected with ATM-related conditions. ClinVar contains an entry for this variant (Variation ID: 1010286). Invitae Evidence Modeling of protein sequence and biophysical properties (such as structural, functional, and spatial information, amino acid conservation, physicochemical variation, residue mobility, and thermodynamic stability) indicates that this missense variant is not expected to disrupt ATM protein function with a negative predictive value of 95%. In summary, the available evidence is currently insufficient to determine the role of this variant in disease. Therefore, it has been classified as a Variant of Uncertain Significance.

Ambry Genetics
Classification: Uncertain significance for Hereditary cancer-predisposing syndrome. Last evaluated: 2024-04-12. Review status: criteria provided, single submitter. Criteria: Ambry Variant Classification Scheme 2023. Collection method: clinical testing. Allele origin: germline.
Comment: The p.H1474R variant (also known as c.4421A>G), located in coding exon 28 of the ATM gene, results from an A to G substitution at nucleotide position 4421. The histidine at codon 1474 is replaced by arginine, an amino acid with highly similar properties. This amino acid position is highly conserved in available vertebrate species. In addition, this alteration is predicted to be deleterious by in silico analysis. Since supporting evidence is limited at this time, the clinical significance of this alteration remains unclear.

NM_000051.4(ATM):c.4421A>G (p.His1474Arg)

Gene: ATM (ATM serine/threonine kinase; plus strand). Cytogenetic location: 11q22.3.
Variant type: single nucleotide variant.
Coding change: c.4421A>G on transcript NM_000051.4 (MANE Select); coding-DNA position 4421, A replaced by G.
Protein change: p.His1474Arg; replaces histidine 1474 with arginine.
Molecular consequence: missense variant.
Genome position (GRCh38, 1-based): chr11:108,289,786, A>G. VCF-style: chr11-108289786-A-G. GRCh37 (hg19) VCF-style: chr11-108160513-A-G.
Other names: c.4421A>G, p.His1474Arg (NM_001351834.2); short protein forms H1474R.
Identifiers: ClinVar variation 1010286 (VCV001010286.12), dbSNP rs2082685461, ClinGen allele CA382532262.